The following is an entry in ClinVar:

NM_005076.5(CNTN2):c.2131T>G (p.Ser711Ala)

Gene: CNTN2 (contactin 2; plus strand). Cytogenetic location: 1q32.1.
Variant type: single nucleotide variant.
Coding change: c.2131T>G on transcript NM_005076.5 (MANE Select); coding-DNA position 2131, T replaced by G.
Protein change: p.Ser711Ala; replaces serine 711 with alanine.
Molecular consequence: missense variant. On other transcripts: non-coding transcript variant (1).
Genome position (GRCh38, 1-based): chr1:205,069,496, T>G. VCF-style: chr1-205069496-T-G. GRCh37 (hg19) VCF-style: chr1-205038624-T-G.
Other names: c.2131T>G, p.Ser711Ala (NM_001346083.2); short protein forms S711A.
Identifiers: ClinVar variation 2127004 (VCV002127004.4), dbSNP rs2526410785, ClinGen allele CA344377686.

ClinVar aggregate classification (germline): Uncertain significance (1 of 4 stars; one submission).

Conditions:
Epilepsy, familial adult myoclonic, 5 (EPEO5). Also called: CORTICAL MYOCLONIC TREMOR WITH EPILEPSY, FAMILIAL, 5. Identifiers: Orphanet 86814, MedGen C3809374, MONDO:0014167, OMIM 615400.

Submission:

Labcorp Genetics (formerly Invitae), Labcorp
Classification: Uncertain significance for Epilepsy, familial adult myoclonic, 5. Last evaluated: 2025-08-21. Review status: criteria provided, single submitter. Criteria: Invitae Variant Classification Sherloc (09022015). Collection method: clinical testing. Allele origin: germline.
Comment: This sequence change replaces serine, which is neutral and polar, with alanine, which is neutral and non-polar, at codon 711 of the CNTN2 protein (p.Ser711Ala). This variant is not present in population databases (gnomAD no frequency). This variant has not been reported in the literature in individuals affected with CNTN2-related conditions. ClinVar contains an entry for this variant (Variation ID: 2127004). Invitae Evidence Modeling of protein sequence and biophysical properties (such as structural, functional, and spatial information, amino acid conservation, physicochemical variation, residue mobility, and thermodynamic stability) indicates that this missense variant is not expected to disrupt CNTN2 protein function with a negative predictive value of 95%. In summary, the available evidence is currently insufficient to determine the role of this variant in disease. Therefore, it has been classified as a Variant of Uncertain Significance.